The following is an entry in ClinVar:

NM_006218.4(PIK3CA):c.1142C>G (p.Pro381Arg)

Gene: PIK3CA (phosphatidylinositol-4,5-bisphosphate 3-kinase catalytic subunit alpha; plus strand). Cytogenetic location: 3q26.32.
Variant type: single nucleotide variant.
Coding change: c.1142C>G on transcript NM_006218.4 (MANE Select); coding-DNA position 1142, C replaced by G.
Protein change: p.Pro381Arg; replaces proline 381 with arginine.
Molecular consequence: missense variant.
Genome position (GRCh38, 1-based): chr3:179,204,585, C>G. VCF-style: chr3-179204585-C-G. GRCh37 (hg19) VCF-style: chr3-178922373-C-G.
Other names: short protein forms P381R.
Identifiers: ClinVar variation 3932401 (VCV003932401.1).

ClinVar aggregate classification (germline): Uncertain significance (1 of 4 stars; one submission).

Conditions:
Inborn genetic diseases. Identifiers: MedGen C0950123, MeSH D030342.

Submission:

Ambry Genetics
Classification: Uncertain significance for Inborn genetic diseases. Last evaluated: 2025-05-03. Review status: criteria provided, single submitter. Criteria: Ambry Variant Classification Scheme 2023. Collection method: clinical testing. Allele origin: germline.
Comment: The p.P381R variant (also known as c.1142C>G), located in coding exon 5 of the PIK3CA gene, results from a C to G substitution at nucleotide position 1142. The proline at codon 381 is replaced by arginine, an amino acid with dissimilar properties. This amino acid position is conserved. In addition, this alteration is predicted to be deleterious by in silico analysis. Based on the available evidence, the clinical significance of this variant remains unclear.